The following is an entry in ClinVar:

ClinVar aggregate classification (germline): Uncertain significance (1 of 4 stars; one submission).

Conditions:
Autosomal dominant childhood-onset proximal spinal muscular atrophy with contractures (SMALED2A). Also called: SPINAL MUSCULAR ATROPHY, LOWER EXTREMITY-PREDOMINANT, 2A, CHILDHOOD ONSET, AUTOSOMAL DOMINANT; Spinal muscular atrophy, lower extremity-predominant, 2A, autosomal dominant. Identifiers: Orphanet 363447, Orphanet 363454, MedGen C4747715, MONDO:0014121, OMIM 615290.

gnomAD v4.1: 2 of 1,610,886 alleles (0.00012%); highest among the groups gnomAD compares: Admixed American, 0.0033%; no homozygotes.

Submission:

Labcorp Genetics (formerly Invitae), Labcorp
Classification: Uncertain significance for Autosomal dominant childhood-onset proximal spinal muscular atrophy with contractures. Last evaluated: 2024-12-16. Review status: criteria provided, single submitter. Criteria: Invitae Variant Classification Sherloc (09022015). Collection method: clinical testing. Allele origin: germline.
Comment: This sequence change replaces alanine, which is neutral and non-polar, with serine, which is neutral and polar, at codon 491 of the BICD2 protein (p.Ala491Ser). This variant is present in population databases (rs770633796, gnomAD 0.006%). This variant has not been reported in the literature in individuals affected with BICD2-related conditions. Invitae Evidence Modeling of protein sequence and biophysical properties (such as structural, functional, and spatial information, amino acid conservation, physicochemical variation, residue mobility, and thermodynamic stability) indicates that this missense variant is not expected to disrupt BICD2 protein function with a negative predictive value of 80%. In summary, the available evidence is currently insufficient to determine the role of this variant in disease. Therefore, it has been classified as a Variant of Uncertain Significance.

NM_001003800.2(BICD2):c.1471G>T (p.Ala491Ser)

Gene: BICD2 (BICD cargo adaptor 2; minus strand). Cytogenetic location: 9q22.31.
Variant type: single nucleotide variant.
Coding change: c.1471G>T on transcript NM_001003800.2 (MANE Select); coding-DNA position 1471, G replaced by T.
Protein change: p.Ala491Ser; replaces alanine 491 with serine.
Molecular consequence: missense variant.
Genome position (GRCh38, 1-based): chr9:92,719,174, C>A on the plus strand (G>T on the coding strand, the complement: BICD2 is on the minus strand). VCF-style: chr9-92719174-C-A. GRCh37 (hg19) VCF-style: chr9-95481456-C-A.
Other names: c.1471G>T, p.Ala491Ser (NM_015250.4); short protein forms A491S.
Identifiers: ClinVar variation 3634406 (VCV003634406.2).